The following is an entry in ClinVar:

ClinVar aggregate classification (germline): Uncertain significance. Review status: criteria provided, multiple submitters, no conflicts (2 of 4 stars). 8 submissions from 8 submitters: Uncertain significance (8). Last evaluated 2025-08-04.

Conditions:
PMS2-related disorder. Also called: PMS2-related condition.
Hereditary nonpolyposis colorectal neoplasms. Identifiers: MedGen C0009405, MeSH D003123.
Hereditary cancer-predisposing syndrome. Also called: Neoplastic Syndromes, Hereditary; Hereditary neoplastic syndrome; Tumor predisposition; Hereditary Cancer Syndrome. Identifiers: Orphanet 140162, MedGen C0027672, MeSH D009386, MONDO:0015356.
Lynch syndrome 4 (LYNCH4). Also called: Hereditary non-polyposis colorectal cancer, type 4; Colorectal cancer, hereditary nonpolyposis, type 4. Identifiers: Orphanet 144, MedGen C1838333, MONDO:0013699, OMIM 614337. Disease mechanism: loss of function.

Allele frequency attached by ClinVar (database versions not stated): ExAC 0.00001; gnomAD 0.00002 and 0.00003; gnomAD exomes 0.00002; TOPMed 0.00002; 1000 Genomes Project 30x 0.00031.
gnomAD v4.1: 8 of 1,580,876 alleles (0.00051%); highest among the groups gnomAD compares: African/African-American, 0.0094%; no homozygotes.

Submissions (8):

Ambry Genetics
Classification: Uncertain significance for Hereditary cancer-predisposing syndrome. Last evaluated: 2025-08-04. Review status: criteria provided, single submitter. Criteria: Ambry Variant Classification Scheme 2023. Collection method: clinical testing. Allele origin: germline.
Comment: The p.N324K variant (also known as c.972C>A), located in coding exon 9 of the PMS2 gene, results from a C to A substitution at nucleotide position 972. The asparagine at codon 324 is replaced by lysine, an amino acid with similar properties. This variant was identified in a cohort of 3,579 African males diagnosed with prostate cancer who underwent multi-gene panel testing of 19 DNA repair and cancer predisposition genes (Matejcic M et al. JCO Precis Oncol, 2020 Jan;4:32-43). This amino acid position is highly conserved in available vertebrate species. In addition, the in silico prediction for this alteration is inconclusive. Since supporting evidence is limited at this time, the clinical significance of this alteration remains unclear.

Center for Genomic Medicine, Rigshospitalet, Copenhagen University Hospital
Classification: Uncertain significance. Last evaluated: 2025-03-04. Review status: criteria provided, single submitter. Criteria: ACMG Guidelines, 2015. Collection method: clinical testing. Allele origin: germline.

Labcorp Genetics (formerly Invitae), Labcorp
Classification: Uncertain significance for Hereditary nonpolyposis colorectal neoplasms. Last evaluated: 2024-11-06. Review status: criteria provided, single submitter. Criteria: Invitae Variant Classification Sherloc (09022015). Collection method: clinical testing. Allele origin: germline.
Comment: This sequence change replaces asparagine, which is neutral and polar, with lysine, which is basic and polar, at codon 324 of the PMS2 protein (p.Asn324Lys). This variant is present in population databases (rs182085259, gnomAD 0.03%). This missense change has been observed in individual(s) with PMS2-related conditions (PMID: 34326862). ClinVar contains an entry for this variant (Variation ID: 237935). Invitae Evidence Modeling incorporating data from in vitro experimental studies (internal data) indicates that this missense variant is not expected to disrupt PMS2 function with a negative predictive value of 95%. In summary, the available evidence is currently insufficient to determine the role of this variant in disease. Therefore, it has been classified as a Variant of Uncertain Significance.

Baylor Genetics
Classification: Uncertain significance for Lynch syndrome 4. Last evaluated: 2023-06-23. Review status: criteria provided, single submitter. Criteria: ACMG Guidelines, 2015. Collection method: clinical testing. Allele origin: unknown.

GeneDx
Classification: Uncertain significance. Last evaluated: 2023-02-01. Review status: criteria provided, single submitter. Criteria: GeneDx Variant Classification Process June 2021. Collection method: clinical testing. Allele origin: germline. Affected: yes.
Comment: In silico analysis supports that this missense variant has a deleterious effect on protein structure/function; Has not been previously published as pathogenic or benign to our knowledge; This variant is associated with the following publications: (PMID: 11574484)

PreventionGenetics, part of Exact Sciences
Classification: Uncertain significance for PMS2-related condition. Last evaluated: 2022-08-30. Review status: criteria provided, single submitter. Criteria: ACMG Guidelines, 2015. Collection method: clinical testing. Allele origin: germline.
Comment: The PMS2 c.972C>A variant is predicted to result in the amino acid substitution p.Asn324Lys. To our knowledge, this variant has not been reported in the literature. This variant is reported in 0.025% of alleles in individuals of African descent in gnomAD. At this time, the clinical significance of this variant is uncertain due to the absence of conclusive functional and genetic evidence.

Sema4
Classification: Uncertain significance for Hereditary cancer-predisposing syndrome. Last evaluated: 2021-04-05. Review status: criteria provided, single submitter. Criteria: Sema4 Curation Guidelines. Collection method: curation. Allele origin: germline.
Comment: The PMS2 c.972C>A (p.N324K) variant has not been reported in the literature to our knowledge. It was observed in 4/16252 chromosomes of the African/African American subpopulation in the large and broad cohorts of the Genome Aggregation Database. The variant has been reported in ClinVar (Variation ID 237935). In silico tools suggest the impact of the variant on protein function is deleterious, though these predictions have not been confirmed by functional studies. The overall evidence is insufficient to meet ACMG/AMP criteria for classifying it as benign or pathogenic. In summary, the clinical significance of this variant is currently uncertain.

Color Diagnostics, LLC DBA Color Health
Classification: Uncertain significance for Hereditary cancer-predisposing syndrome. Last evaluated: 2019-12-13. Review status: criteria provided, single submitter. Criteria: ACMG Guidelines, 2015. Collection method: clinical testing. Allele origin: germline.
Comment: This missense variant replaces asparagine with lysine at codon 324 of the PMS2 protein. Computational prediction suggests that this variant may have deleterious impact on protein structure and function (internally defined REVEL score threshold >= 0.7, PMID: 27666373). Splice site prediction tools suggest that this variant may not impact RNA splicing. To our knowledge, functional studies have not been performed for this variant. This variant has not been reported in individuals affected with hereditary cancer in the literature. This variant has been identified in 4/251214 chromosomes in the general population by the Genome Aggregation Database (gnomAD). The available evidence is insufficient to determine the role of this variant in disease conclusively. Therefore, this variant is classified as a Variant of Uncertain Significance.

Literature cited by the submitters: PubMed 32832836 (cited by Ambry Genetics); PubMed 34326862 (cited by Labcorp Genetics (formerly Invitae), Labcorp).

NM_000535.7(PMS2):c.972C>A (p.Asn324Lys)

Gene: PMS2 (PMS1 homolog 2, mismatch repair system component; minus strand). Cytogenetic location: 7p22.1.
Variant type: single nucleotide variant.
Coding change: c.972C>A on transcript NM_000535.7 (MANE Select); coding-DNA position 972, C replaced by A.
Protein change: p.Asn324Lys; replaces asparagine 324 with lysine.
Molecular consequence: missense variant. On other transcripts: non-coding transcript variant (1).
Genome position (GRCh38, 1-based): chr7:5,991,989, G>T on the plus strand (C>A on the coding strand, the complement: PMS2 is on the minus strand). VCF-style: chr7-5991989-G-T. GRCh37 (hg19) VCF-style: chr7-6031620-G-T.
Other names: c.567C>A, p.Asn189Lys (NM_001322003.2, NM_001322004.2, NM_001322005.2 and 2 more transcripts); c.972C>A, p.Asn324Lys (NM_001322006.2, NM_001322014.2); c.654C>A, p.Asn218Lys (NM_001322007.2, NM_001322008.2); c.39C>A, p.Asn13Lys (NM_001322011.2, NM_001322012.2); c.399C>A, p.Asn133Lys (NM_001322013.2); c.663C>A, p.Asn221Lys (NM_001322015.2); short protein forms N324K, N133K, N13K, N218K, N189K, N221K.
Identifiers: ClinVar variation 237935 (VCV000237935.25), dbSNP rs182085259, ClinGen allele CA052703.